The following is an entry in ClinVar:

ClinVar aggregate classification (germline): Uncertain significance (1 of 4 stars; one submission).

Submission:

GeneDx
Classification: Uncertain significance. Last evaluated: 2023-01-10. Review status: criteria provided, single submitter. Criteria: GeneDx Variant Classification Process June 2021. Collection method: clinical testing. Allele origin: germline. Affected: yes.
Comment: Not observed at significant frequency in large population cohorts (gnomAD); In silico analysis supports a deleterious effect on protein structure/function; Has not been previously published as pathogenic or benign to our knowledge

NM_001042492.3(NF1):c.958_959delinsTT (p.Ala320Phe)

Gene: NF1 (neurofibromin 1; plus strand). Cytogenetic location: 17q11.2.
Variant type: Indel.
Coding change: c.958_959delinsTT on transcript NM_001042492.3 (MANE Select); coding-DNA positions 958 to 959, GC replaced by TT.
Protein change: p.Ala320Phe; replaces alanine 320 with phenylalanine.
Molecular consequence: missense variant.
Genome position (GRCh38, 1-based): chr17:31,200,491-31,200,492, GC replaced by TT. VCF-style: chr17-31200491-GC-TT. GRCh37 (hg19) VCF-style: chr17-29527509-GC-TT.
Other names: c.958_959delGCinsTT, p.Ala320Phe (NM_000267.4); c.958_959delinsTT, p.Ala320Phe (NM_001128147.3); short protein forms A320F.
Identifiers: ClinVar variation 2571972 (VCV002571972.1), dbSNP rs2544793775, ClinGen allele CA2580614046.